The following is an entry in ClinVar:

ClinVar aggregate classification (germline): Likely pathogenic (1 of 4 stars; one submission).

Conditions:
Gaucher disease. Also called: Acute cerebral Gaucher disease; Cerebroside lipidosis syndrome; Gaucher splenomegaly; Sphingolipidosis 1; Glucocerebrosidosis; Glucosylceramidase deficiency. Identifiers: Orphanet 355, MedGen C0017205, MONDO:0018150.

Submission:

Natera, Inc.
Classification: Likely pathogenic for Gaucher disease. Last evaluated: 2025-12-06. Review status: criteria provided, single submitter. Criteria: Natera Variant Classification Schema (03/2026). Collection method: clinical testing. Allele origin: germline.
Comment: The c.1124T>C variant in GBA1 is a missense variant predicted to cause substitution of leucine to proline at amino acid 375. This variant is rare in the general population with a frequency below the threshold expected for the associated phenotype(s). This variant has been observed in one or more individuals affected with the associated recessive disease, as either homozygous or compound heterozygous with a second variant (PMID: 11783951). Additionally, this variant has been observed to segregate in affected family members (PMID: 11783951). Computational prediction algorithms indicate this variant is likely to affect gene or protein function. Given the available evidence, this variant is classified as Likely Pathogenic.

Literature cited by the submitters: PubMed 11783951.

NM_000157.4(GBA1):c.1124T>C (p.Leu375Pro)

Genes: GBA1 (glucosylceramidase beta 1; minus strand), LOC106627981 (GBA recombination region; plus strand). Cytogenetic location: 1q22.
Variant type: single nucleotide variant.
Coding change: c.1124T>C on transcript NM_000157.4 (MANE Select); coding-DNA position 1124, T replaced by C.
Protein change: p.Leu375Pro; replaces leucine 375 with proline.
Molecular consequence: missense variant.
Genome position (GRCh38, 1-based): chr1:155,236,345, A>G on the plus strand (T>C on the coding strand, the complement: GBA1 is on the minus strand). VCF-style: chr1-155236345-A-G. GRCh37 (hg19) VCF-style: chr1-155206136-A-G.
Other names: c.1124T>C, p.Leu375Pro (NM_001005741.3, NM_001005742.3); c.863T>C, p.Leu288Pro (NM_001171811.2); c.977T>C, p.Leu326Pro (NM_001171812.2); short protein forms L288P, L326P, L375P.
Identifiers: ClinVar variation 4817674 (VCV004817674.1).